The following is an entry in ClinVar:

ClinVar aggregate classification (germline): Uncertain significance (1 of 4 stars; one submission).

gnomAD v4.1: 1 of 1,613,228 alleles (0.000062%); no homozygotes.

Submission:

Labcorp Genetics (formerly Invitae), Labcorp
Classification: Uncertain significance. Last evaluated: 2024-01-18. Review status: criteria provided, single submitter. Criteria: Invitae Variant Classification Sherloc (09022015). Collection method: clinical testing. Allele origin: germline.
Comment: This sequence change replaces isoleucine, which is neutral and non-polar, with threonine, which is neutral and polar, at codon 587 of the LONP1 protein (p.Ile587Thr). This variant is not present in population databases (gnomAD no frequency). This variant has not been reported in the literature in individuals affected with LONP1-related conditions. Advanced modeling of protein sequence and biophysical properties (such as structural, functional, and spatial information, amino acid conservation, physicochemical variation, residue mobility, and thermodynamic stability) performed at Invitae indicates that this missense variant is expected to disrupt LONP1 protein function with a positive predictive value of 80%. In summary, the available evidence is currently insufficient to determine the role of this variant in disease. Therefore, it has been classified as a Variant of Uncertain Significance.

NM_004793.4(LONP1):c.1760T>C (p.Ile587Thr)

Gene: LONP1 (lon peptidase 1, mitochondrial; minus strand). Cytogenetic location: 19p13.3.
Variant type: single nucleotide variant.
Coding change: c.1760T>C on transcript NM_004793.4 (MANE Select); coding-DNA position 1760, T replaced by C.
Protein change: p.Ile587Thr; replaces isoleucine 587 with threonine.
Molecular consequence: missense variant. On other transcripts: non-coding transcript variant (1).
Genome position (GRCh38, 1-based): chr19:5,696,683, A>G on the plus strand (T>C on the coding strand, the complement: LONP1 is on the minus strand). VCF-style: chr19-5696683-A-G. GRCh37 (hg19) VCF-style: chr19-5696694-A-G.
Other names: c.1568T>C, p.Ile523Thr (NM_001276479.2); c.1172T>C, p.Ile391Thr (NM_001276480.1); short protein forms I587T, I391T, I523T.
Identifiers: ClinVar variation 2709992 (VCV002709992.3), dbSNP rs1315498122, ClinGen allele CA403529581.